The following is an entry in ClinVar:

ClinVar aggregate classification (germline): Uncertain significance (1 of 4 stars; one submission).

Allele frequency attached by ClinVar (database versions not stated): gnomAD exomes 0.00001.
gnomAD v4.1: 8 of 1,613,948 alleles (0.0005%); highest among the groups gnomAD compares: Non-Finnish European, 0.00068%; no homozygotes.

Submission:

Labcorp Genetics (formerly Invitae), Labcorp
Classification: Uncertain significance. Last evaluated: 2022-04-29. Review status: criteria provided, single submitter. Criteria: Invitae Variant Classification Sherloc (09022015). Collection method: clinical testing. Allele origin: germline.
Comment: This sequence change replaces aspartic acid, which is acidic and polar, with glycine, which is neutral and non-polar, at codon 1806 of the CEP250 protein (p.Asp1806Gly). This variant is not present in population databases (gnomAD no frequency). This variant has not been reported in the literature in individuals affected with CEP250-related conditions. Algorithms developed to predict the effect of missense changes on protein structure and function output the following: SIFT: "Not Available"; PolyPhen-2: "Benign"; Align-GVGD: "Not Available". The glycine amino acid residue is found in multiple mammalian species, which suggests that this missense change does not adversely affect protein function. In summary, the available evidence is currently insufficient to determine the role of this variant in disease. Therefore, it has been classified as a Variant of Uncertain Significance.

NM_007186.6(CEP250):c.5417A>G (p.Asp1806Gly)

Gene: CEP250 (centrosomal protein 250; plus strand). Cytogenetic location: 20q11.22.
Variant type: single nucleotide variant.
Coding change: c.5417A>G on transcript NM_007186.6 (MANE Select); coding-DNA position 5417, A replaced by G.
Protein change: p.Asp1806Gly; replaces aspartic acid 1806 with glycine.
Molecular consequence: missense variant.
Genome position (GRCh38, 1-based): chr20:35,503,786, A>G. VCF-style: chr20-35503786-A-G. GRCh37 (hg19) VCF-style: chr20-34091614-A-G.
Other names: c.3521A>G, p.Asp1174Gly (NM_001318219.1); short protein forms D1806G, D1174G.
Identifiers: ClinVar variation 2131634 (VCV002131634.1), dbSNP rs2516261905, ClinGen allele CA408752945.